The following is an entry in ClinVar:

NM_018418.5(SPATA7):c.93T>A (p.Asn31Lys)

Gene: SPATA7 (spermatogenesis associated 7; plus strand). Cytogenetic location: 14q31.3.
Variant type: single nucleotide variant.
Coding change: c.93T>A on transcript NM_018418.5 (MANE Select); coding-DNA position 93, T replaced by A.
Protein change: p.Asn31Lys; replaces asparagine 31 with lysine.
Molecular consequence: missense variant.
Genome position (GRCh38, 1-based): chr14:88,391,454, T>A. VCF-style: chr14-88391454-T-A. GRCh37 (hg19) VCF-style: chr14-88857798-T-A.
Other names: c.93T>A, p.Asn31Lys (NM_001040428.4); short protein forms N31K.
Identifiers: ClinVar variation 1038871 (VCV001038871.8), dbSNP rs779315409, ClinGen allele CA7298363.

ClinVar aggregate classification (germline): Uncertain significance (1 of 4 stars; one submission).

Conditions:
Leber congenital amaurosis 3 (LCA3). Also called: SPATA7-Related Retinitis Pigmentosa. Identifiers: MedGen C1858677, MONDO:0011415, OMIM 604232.

Allele frequency attached by ClinVar (database versions not stated): gnomAD 0.00002; TOPMed 0.00002; ExAC 0.00003.
gnomAD v4.1: 20 of 1,613,148 alleles (0.0012%); highest among the groups gnomAD compares: Non-Finnish European, 0.0016%; no homozygotes.

Submission:

Labcorp Genetics (formerly Invitae), Labcorp
Classification: Uncertain significance for Leber congenital amaurosis 3. Last evaluated: 2022-03-27. Review status: criteria provided, single submitter. Criteria: Invitae Variant Classification Sherloc (09022015). Collection method: clinical testing. Allele origin: germline.
Comment: In summary, the available evidence is currently insufficient to determine the role of this variant in disease. Therefore, it has been classified as a Variant of Uncertain Significance. Algorithms developed to predict the effect of missense changes on protein structure and function are either unavailable or do not agree on the potential impact of this missense change (SIFT: "Deleterious"; PolyPhen-2: "Probably Damaging"; Align-GVGD: "Class C0"). ClinVar contains an entry for this variant (Variation ID: 1038871). This variant has not been reported in the literature in individuals affected with SPATA7-related conditions. This variant is present in population databases (rs779315409, gnomAD 0.006%). This sequence change replaces asparagine, which is neutral and polar, with lysine, which is basic and polar, at codon 31 of the SPATA7 protein (p.Asn31Lys).